The following is an entry in ClinVar:

ClinVar aggregate classification (germline): Pathogenic/Likely pathogenic. Review status: criteria provided, multiple submitters, no conflicts (2 of 4 stars). 2 submissions from 2 submitters: Pathogenic (1); Likely pathogenic (1). Last evaluated 2023-10-17.

Conditions:
IFT81-related disorders.

Submissions (2):

Labcorp Genetics (formerly Invitae), Labcorp
Classification: Pathogenic. Last evaluated: 2023-10-17. Review status: criteria provided, single submitter. Criteria: Invitae Variant Classification Sherloc (09022015). Collection method: clinical testing. Allele origin: germline.
Comment: This sequence change creates a premature translational stop signal (p.Lys403Argfs*11) in the IFT81 gene. It is expected to result in an absent or disrupted protein product. Loss-of-function variants in IFT81 are known to be pathogenic (PMID: 26275418, 27666822). This variant is present in population databases (no rsID available, gnomAD 0.0009%). This variant has not been reported in the literature in individuals affected with IFT81-related conditions. ClinVar contains an entry for this variant (Variation ID: 1425432). For these reasons, this variant has been classified as Pathogenic.

Blueprint Genetics
Classification: Likely pathogenic for IFT81-related disorders. Last evaluated: 2020-06-24. Review status: criteria provided, single submitter. Criteria: ACMG Guidelines, 2015. Collection method: clinical testing. Allele origin: germline. Affected: yes. Observed: 2 variant alleles.

Literature cited by the submitters: PubMed 26275418 (cited by Labcorp Genetics (formerly Invitae), Labcorp); PubMed 27666822 (cited by Labcorp Genetics (formerly Invitae), Labcorp).

NM_014055.4(IFT81):c.1208_1220del (p.Lys403fs)

Gene: IFT81 (intraflagellar transport 81; plus strand). Cytogenetic location: 12q24.11.
Variant type: Deletion.
Coding change: c.1208_1220del on transcript NM_014055.4 (MANE Select); coding-DNA positions 1208 to 1220, 13 bases deleted (AACTTCGAAGCAA).
Protein change: p.Lys403fs; shifts the reading frame from lysine 403.
Molecular consequence: frameshift variant. On other transcripts: non-coding transcript variant (4).
Genome position (GRCh38, 1-based): chr12:110,180,441-110,180,453, AACTTCGAAGCAA deleted; deleting any 13 consecutive bases within chr12:110,180,440-110,180,453 gives the same sequence; the c. name uses the placement nearest the transcript's 3' end. VCF-style (leftmost placement, unchanged base first): chr12-110180439-TAAACTTCGAAGCA-T. GRCh37 (hg19) VCF-style: chr12-110618244-TAAACTTCGAAGCA-T.
Other names: c.1208_1220del, p.Lys403fs (NM_001143779.2); c.278_290del, p.Lys93fs (NM_001347947.2, NM_001347948.2); short protein forms K403fs, K93fs.
Identifiers: ClinVar variation 1425432 (VCV001425432.7), dbSNP rs1463997351, ClinGen allele CA607566320.